The following is an entry in ClinVar:

ClinVar aggregate classification (germline): Uncertain significance. Review status: criteria provided, multiple submitters, no conflicts (2 of 4 stars). 2 submissions from 2 submitters: Uncertain significance (2). Last evaluated 2025-10-02.

Conditions:
Inborn genetic diseases. Identifiers: MedGen C0950123, MeSH D030342.
Trichothiodystrophy 4, nonphotosensitive. Also called: AMISH BRITTLE HAIR BRAIN SYNDROME; BIDS SYNDROME; Trichothiodystrophy nonphotosensitive; HAIR-BRAIN SYNDROME. Identifiers: MedGen C1313961, MONDO:0021013, OMIM 234050.

Allele frequency attached by ClinVar (database versions not stated): TOPMed 0.00001; ExAC 0.00002; gnomAD 0.00003.

Submissions (2):

Ambry Genetics
Classification: Uncertain significance for Inborn genetic diseases. Last evaluated: 2025-10-02. Review status: criteria provided, single submitter. Criteria: Ambry Variant Classification Scheme 2023. Collection method: clinical testing. Allele origin: germline.

Labcorp Genetics (formerly Invitae), Labcorp
Classification: Uncertain significance. Last evaluated: 2022-04-09. Review status: criteria provided, single submitter. Criteria: Invitae Variant Classification Sherloc (09022015). Collection method: clinical testing. Allele origin: germline.
Comment: This sequence change replaces arginine, which is basic and polar, with histidine, which is basic and polar, at codon 126 of the MPLKIP protein (p.Arg126His). This variant is present in population databases (rs748305028, gnomAD 0.003%). This variant has not been reported in the literature in individuals affected with MPLKIP-related conditions. Algorithms developed to predict the effect of missense changes on protein structure and function are either unavailable or do not agree on the potential impact of this missense change (SIFT: "Tolerated"; PolyPhen-2: "Probably Damaging"; Align-GVGD: "Class C0"). In summary, the available evidence is currently insufficient to determine the role of this variant in disease. Therefore, it has been classified as a Variant of Uncertain Significance.

NM_138701.4(MPLKIP):c.377G>A (p.Arg126His)

Gene: MPLKIP (M-phase specific PLK1 interacting protein; minus strand). Cytogenetic location: 7p14.1.
Variant type: single nucleotide variant.
Coding change: c.377G>A on transcript NM_138701.4 (MANE Select); coding-DNA position 377, G replaced by A.
Protein change: p.Arg126His; replaces arginine 126 with histidine.
Molecular consequence: missense variant.
Genome position (GRCh38, 1-based): chr7:40,133,222, C>T on the plus strand (G>A on the coding strand, the complement: MPLKIP is on the minus strand). VCF-style: chr7-40133222-C-T. GRCh37 (hg19) VCF-style: chr7-40172821-C-T.
Other names: c.377G>A (NM_138701.3); short protein forms R126H.
Identifiers: ClinVar variation 1953936 (VCV001953936.4), dbSNP rs748305028, ClinGen allele CA4229184.
Genomic context (GRCh38, chr7:40,133,222, plus strand): 5'-TCAAGCATTGAAGGCTTGAAATAATTTTCCAACTCATTAGACATTCTTTTTTCTCTAACA[C>T]GCCCTGATCCAAATGGTGTAGATGTCCTTGGAGAACCCTTTAGAAAAAAAATCAGTTAAA-3'
Protein context (NP_619646.1, residues 116-136): PRTSTPFGSG[Arg126His]VREKRMSNEL